The following is an entry in ClinVar:

NM_015294.6(TRIM37):c.250C>A (p.Leu84Ile)

Gene: TRIM37 (tripartite motif containing 37; minus strand). Cytogenetic location: 17q22.
Variant type: single nucleotide variant.
Coding change: c.250C>A on transcript NM_015294.6 (MANE Select); coding-DNA position 250, C replaced by A.
Protein change: p.Leu84Ile; replaces leucine 84 with isoleucine.
Molecular consequence: missense variant. On other transcripts: non-coding transcript variant (2), 5 prime UTR variant (3).
Genome position (GRCh38, 1-based): chr17:59,088,322, G>T on the plus strand (C>A on the coding strand, the complement: TRIM37 is on the minus strand). VCF-style: chr17-59088322-G-T. GRCh37 (hg19) VCF-style: chr17-57165683-G-T.
Other names: c.250C>A, p.Leu84Ile (NM_001005207.5, NM_001320988.3, NM_001320989.3 and 2 more transcripts); c.148C>A, p.Leu50Ile (NM_001320987.3, NM_001353082.2); c.-117C>A (NM_001320990.3); c.-503C>A (NM_001353083.2); c.-125C>A (NM_001353085.2); short protein forms L50I, L84I.
Identifiers: ClinVar variation 5038370 (VCV005038370.1).

ClinVar aggregate classification (germline): Uncertain significance (1 of 4 stars; one submission).

Conditions:
Mulibrey nanism syndrome. Also called: MUSCLE-LIVER-BRAIN-EYE NANISM; PERHEENTUPA SYNDROME; PERICARDIAL CONSTRICTION AND GROWTH FAILURE. Identifiers: Orphanet 2576, MedGen C0524582, MONDO:0009664, OMIM 253250.

gnomAD v4.1: 6 of 1,612,722 alleles (0.00037%); highest among the groups gnomAD compares: Non-Finnish European, 0.00051%; no homozygotes.

Submission:

St. Jude Molecular Pathology, St. Jude Children's Research Hospital
Classification: Uncertain significance for Mulibrey nanism syndrome. Last evaluated: 2026-10-01. Review status: criteria provided, single submitter. Criteria: St. Jude Assertion Criteria 2020. Collection method: clinical testing. Allele origin: germline.
Comment: The TRIM37 c.250C>A p.(Leu84Ile) missense ch ange has a maximum subpopulation frequency of 0.018% in gnomAD v2.1.1. The in silico tool REVEL predicts a benign effect on protein function, but this prediction has not been confirmed by functional studies. This varia nt has not been reported in individuals with TRIM37-related disease. In summary, the evidence currently available is insufficient to determine the clinical significance of this variant. It has therefore been classified as of uncertain significance.